The following is an entry in ClinVar:

ClinVar aggregate classification (germline): Uncertain significance (1 of 4 stars; one submission).

Conditions:
Ehlers-Danlos syndrome, musculocontractural type (EDSMC). Also called: Adducted thumb, clubfoot, progressive joint and skin laxity syndrome; ARTHROGRYPOSIS, DISTAL, WITH PECULIAR FACIES AND HYDRONEPHROSIS; DUNDAR SYNDROME; ADDUCTED THUMB-CLUBFOOT SYNDROME. Identifiers: Orphanet 2953, MedGen C1866294, MONDO:0011142.

Submission:

Labcorp Genetics (formerly Invitae), Labcorp
Classification: Uncertain significance for Ehlers-Danlos syndrome, musculocontractural type. Last evaluated: 2024-07-23. Review status: criteria provided, single submitter. Criteria: Invitae Variant Classification Sherloc (09022015). Collection method: clinical testing. Allele origin: germline.
Comment: This sequence change replaces arginine, which is basic and polar, with proline, which is neutral and non-polar, at codon 324 of the CHST14 protein (p.Arg324Pro). This variant is not present in population databases (gnomAD no frequency). This variant has not been reported in the literature in individuals affected with CHST14-related conditions. Advanced modeling of protein sequence and biophysical properties (such as structural, functional, and spatial information, amino acid conservation, physicochemical variation, residue mobility, and thermodynamic stability) has been performed at Invitae for this missense variant, however the output from this modeling did not meet the statistical confidence thresholds required to predict the impact of this variant on CHST14 protein function. In summary, the available evidence is currently insufficient to determine the role of this variant in disease. Therefore, it has been classified as a Variant of Uncertain Significance.

NM_130468.4(CHST14):c.971G>C (p.Arg324Pro)

Gene: CHST14 (carbohydrate sulfotransferase 14; plus strand). Cytogenetic location: 15q15.1.
Variant type: single nucleotide variant.
Coding change: c.971G>C on transcript NM_130468.4 (MANE Select); coding-DNA position 971, G replaced by C.
Protein change: p.Arg324Pro; replaces arginine 324 with proline.
Molecular consequence: missense variant.
Genome position (GRCh38, 1-based): chr15:40,472,184, G>C. VCF-style: chr15-40472184-G-C. GRCh37 (hg19) VCF-style: chr15-40764383-G-C.
Other names: short protein forms R324P.
Identifiers: ClinVar variation 3717196 (VCV003717196.2).
Genomic context (GRCh38, chr15:40,472,184, plus strand): 5'-CTGATGCAAATCAGGTGCTGGAGTGGGTACGGGCACCACCTCACGTCCGATTTCCAGCTC[G>C]CCAGGCCTGGTACCGGCCAGCCAGCCCCGAAAGCCTGCATTACCACTTGTGCAGTGCCCC-3'
Protein context (NP_569735.1, residues 314-334): RAPPHVRFPA[Arg324Pro]QAWYRPASPE